The following is an entry in ClinVar:

NM_147127.5(EVC2):c.361G>C (p.Gly121Arg)

Gene: EVC2 (EvC ciliary complex subunit 2; minus strand). Cytogenetic location: 4p16.2.
Variant type: single nucleotide variant.
Coding change: c.361G>C on transcript NM_147127.5 (MANE Select); coding-DNA position 361, G replaced by C.
Protein change: p.Gly121Arg; replaces glycine 121 with arginine.
Molecular consequence: missense variant.
Genome position (GRCh38, 1-based): chr4:5,694,424, C>G on the plus strand (G>C on the coding strand, the complement: EVC2 is on the minus strand). VCF-style: chr4-5694424-C-G. GRCh37 (hg19) VCF-style: chr4-5696151-C-G.
Other names: c.121G>C, p.Gly41Arg (NM_001166136.2); short protein forms G41R, G121R.
Identifiers: ClinVar variation 907466 (VCV000907466.7), dbSNP rs748417016, ClinGen allele CA2835487.
Genomic context (GRCh38, chr4:5,694,424, plus strand): 5'-TAAATAAGTTCTTCTTAGGCCAGGAGGGTATAAAAGCAAATAAGGAATGAGCCCATGGCC[C>G]ACTAGAGGCTGCAGAAGTTGAGAGTGGGATGAAGACTTCCATTTTCTTGTCCAATTTCAT-3'
Protein context (NP_667338.3, residues 111-131): IPLSTSAASS[Gly121Arg]PWAHSLFAFI

ClinVar aggregate classification (germline): Uncertain significance. Review status: criteria provided, multiple submitters, no conflicts (2 of 4 stars). 2 submissions from 2 submitters: Uncertain significance (2). Last evaluated 2021-12-24.

Conditions:
Ellis-van Creveld syndrome (EVC). Also called: EVC-Related Ellis-van Creveld Syndrome; EVC2-Related Ellis-van Creveld Syndrome; MESOECTODERMAL DYSPLASIA; Chondroectodermal dysplasia. Identifiers: Orphanet 289, MedGen C0013903, MONDO:0009162, OMIM 225500.
Curry-Hall syndrome (WAD). Also called: WEYERS ACRODENTAL DYSOSTOSIS. Identifiers: Orphanet 952, MedGen C0457013, MONDO:0008673, OMIM 193530.

Allele frequency attached by ClinVar (database versions not stated): gnomAD 0.00002 and 0.00003; gnomAD exomes 0.00003 and 0.00006; TOPMed 0.00004; ExAC 0.00006.
gnomAD v4.1: 43 of 1,614,050 alleles (0.0027%); highest among the groups gnomAD compares: Non-Finnish European, 0.00017%; no homozygotes.

Submissions (2):

Labcorp Genetics (formerly Invitae), Labcorp
Classification: Uncertain significance for Curry-Hall syndrome; Ellis-van Creveld syndrome. Last evaluated: 2021-12-24. Review status: criteria provided, single submitter. Criteria: Invitae Variant Classification Sherloc (09022015). Collection method: clinical testing. Allele origin: germline.
Comment: This sequence change replaces glycine, which is neutral and non-polar, with arginine, which is basic and polar, at codon 121 of the EVC2 protein (p.Gly121Arg). This variant is present in population databases (rs748417016, gnomAD 0.1%). This variant has not been reported in the literature in individuals affected with EVC2-related conditions. ClinVar contains an entry for this variant (Variation ID: 907466). Algorithms developed to predict the effect of missense changes on protein structure and function (SIFT, PolyPhen-2, Align-GVGD) all suggest that this variant is likely to be tolerated. In summary, the available evidence is currently insufficient to determine the role of this variant in disease. Therefore, it has been classified as a Variant of Uncertain Significance.

Illumina Laboratory Services, Illumina
Classification: Uncertain significance for Ellis-van Creveld syndrome. Last evaluated: 2018-01-13. Review status: criteria provided, single submitter. Criteria: ICSL Variant Classification Criteria 13 December 2019. Collection method: clinical testing. Allele origin: germline.